The following is an entry in ClinVar:

NM_133372.3(FNIP1):c.2302C>T (p.Arg768Ter)

Gene: FNIP1 (folliculin interacting protein 1; minus strand). Cytogenetic location: 5q31.1.
Variant type: single nucleotide variant.
Coding change: c.2302C>T on transcript NM_133372.3 (MANE Select); coding-DNA position 2302, C replaced by T.
Protein change: p.Arg768Ter; replaces arginine 768 with a stop codon.
Molecular consequence: nonsense.
Genome position (GRCh38, 1-based): chr5:131,672,142, G>A on the plus strand (C>T on the coding strand, the complement: FNIP1 is on the minus strand). VCF-style: chr5-131672142-G-A. GRCh37 (hg19) VCF-style: chr5-131007835-G-A.
Other names: c.2218C>T, p.Arg740Ter (NM_001008738.3); c.2167C>T, p.Arg723Ter (NM_001346114.2); short protein forms R723*, R768*, R740*.
Identifiers: ClinVar variation 4698435 (VCV004698435.1).

ClinVar aggregate classification (germline): Pathogenic (1 of 4 stars; one submission).

gnomAD v4.1: 1 of 1,614,140 alleles (0.000062%); highest among the groups gnomAD compares: Non-Finnish European, 0.000085%; no homozygotes.

Submission:

Labcorp Genetics (formerly Invitae), Labcorp
Classification: Pathogenic. Last evaluated: 2025-04-01. Review status: criteria provided, single submitter. Criteria: Invitae Variant Classification Sherloc (09022015). Collection method: clinical testing. Allele origin: germline.
Comment: This sequence change creates a premature translational stop signal (p.Arg768*) in the FNIP1 gene. It is expected to result in an absent or disrupted protein product. Loss-of-function variants in FNIP1 are known to be pathogenic (PMID: 32181500, 32905580). This variant is not present in population databases (gnomAD no frequency). This variant has not been reported in the literature in individuals affected with FNIP1-related conditions. For these reasons, this variant has been classified as Pathogenic.

Literature cited by the submitters: PubMed 32181500; PubMed 32905580.